The following is an entry in ClinVar:

ClinVar aggregate classification (germline): Uncertain significance (1 of 4 stars; one submission).

Conditions:
Congenital sensory neuropathy with selective loss of small myelinated fibers (HSAN5). Also called: HSAN Type V. Identifiers: Orphanet 64752, MedGen C0020075, MONDO:0012092, OMIM 608654.

gnomAD v4.1: 27 of 1,614,236 alleles (0.0017%); highest among the groups gnomAD compares: Non-Finnish European, 0.0019%; no homozygotes.

Submission:

Labcorp Genetics (formerly Invitae), Labcorp
Classification: Uncertain significance for Congenital sensory neuropathy with selective loss of small myelinated fibers. Last evaluated: 2022-03-18. Review status: criteria provided, single submitter. Criteria: Invitae Variant Classification Sherloc (09022015). Collection method: clinical testing. Allele origin: germline.
Comment: This sequence change replaces arginine, which is basic and polar, with serine, which is neutral and polar, at codon 49 of the NGF protein (p.Arg49Ser). This variant is not present in population databases (gnomAD no frequency). This variant has not been reported in the literature in individuals affected with NGF-related conditions. ClinVar contains an entry for this variant (Variation ID: 962933). Algorithms developed to predict the effect of missense changes on protein structure and function (SIFT, PolyPhen-2, Align-GVGD) all suggest that this variant is likely to be tolerated. Algorithms developed to predict the effect of sequence changes on RNA splicing suggest that this variant may create or strengthen a splice site. In summary, the available evidence is currently insufficient to determine the role of this variant in disease. Therefore, it has been classified as a Variant of Uncertain Significance.

NM_002506.3(NGF):c.145C>A (p.Arg49Ser)

Genes: NGF (nerve growth factor; minus strand), NGF-AS1 (NGF antisense RNA 1; plus strand). Cytogenetic location: 1p13.2.
Variant type: single nucleotide variant.
Coding change: c.145C>A on transcript NM_002506.3 (MANE Select); coding-DNA position 145, C replaced by A.
Protein change: p.Arg49Ser; replaces arginine 49 with serine.
Molecular consequence: missense variant.
Genome position (GRCh38, 1-based): chr1:115,286,651, G>T on the plus strand (C>A on the coding strand, the complement: NGF is on the minus strand). VCF-style: chr1-115286651-G-T. GRCh37 (hg19) VCF-style: chr1-115829272-G-T.
Other names: short protein forms R49S.
Identifiers: ClinVar variation 962933 (VCV000962933.6), dbSNP rs146716262, ClinGen allele CA341837144.
Genomic context (GRCh38, chr1:115,286,651, plus strand): 5'-TGCGGGTCTGCCCCGCCACGCGTGCAGCTATCGCCGCTGCCGGGGCGCTGCGGGCTCTGC[G>T]AAGGGCAGTGTCAAGGGAATGCTGAAGTTTAGTCCAGTGGGCTTGGGGGATGGTGTGTCC-3'
Protein context (NP_002497.2, residues 39-59): KLQHSLDTAL[Arg49Ser]RARSAPAAAI